The following is an entry in ClinVar:

ClinVar aggregate classification (germline): Uncertain significance (1 of 4 stars; one submission).

Submission:

GeneDx
Classification: Uncertain significance. Last evaluated: 2022-01-04. Review status: criteria provided, single submitter. Criteria: GeneDx Variant Classification Process June 2021. Collection method: clinical testing. Allele origin: germline. Affected: yes.
Comment: Not observed at significant frequency in large population cohorts (gnomAD); In silico analysis supports that this missense variant has a deleterious effect on protein structure/function; Has not been previously published as pathogenic or benign to our knowledge

NM_001377265.1(MAPT):c.2495G>C (p.Gly832Ala)

Gene: MAPT (microtubule associated protein tau). Cytogenetic location: 17q21.31.
Variant type: single nucleotide variant.
Coding change: c.2495G>C on transcript NM_001377265.1 (MANE Select); coding-DNA position 2495, G replaced by C.
Protein change: p.Gly832Ala; replaces glycine 832 with alanine.
Molecular consequence: missense variant. On other transcripts: non-coding transcript variant (1), intron variant (1).
Genome position (GRCh38, 1-based): chr17:46,024,164, G>C. VCF-style: chr17-46024164-G-C. GRCh37 (hg19) VCF-style: chr17-44101530-G-C.
Other names: c.2324G>C, p.Gly775Ala (NM_001123066.4); c.1232G>C, p.Gly411Ala (NM_001123067.4); c.1139G>C, p.Gly380Ala (NM_001203251.2); c.1226G>C, p.Gly409Ala (NM_001203252.2); c.2204G>C, p.Gly735Ala (NM_001377266.1); c.1052G>C, p.Gly351Ala (NM_001377268.1, NM_016841.5); c.1319G>C, p.Gly440Ala (NM_005910.6); c.1145G>C, p.Gly382Ala (NM_016834.5); and 2 more; short protein forms G351A, G380A, G382A, G409A, G411A, G440A, G735A, G757A.
Identifiers: ClinVar variation 1695871 (VCV001695871.2), dbSNP rs2146226506, ClinGen allele CA399984697.